The following is an entry in ClinVar:

NM_004260.4(RECQL4):c.1286G>A (p.Gly429Glu)

Gene: RECQL4 (RecQ like helicase 4; minus strand). Cytogenetic location: 8q24.3.
Variant type: single nucleotide variant.
Coding change: c.1286G>A on transcript NM_004260.4 (MANE Select); coding-DNA position 1286, G replaced by A.
Protein change: p.Gly429Glu; replaces glycine 429 with glutamic acid.
Molecular consequence: missense variant.
Genome position (GRCh38, 1-based): chr8:144,515,430, C>T on the plus strand (G>A on the coding strand, the complement: RECQL4 is on the minus strand). VCF-style: chr8-144515430-C-T. GRCh37 (hg19) VCF-style: chr8-145740814-C-T.
Other names: short protein forms G429E.
Identifiers: ClinVar variation 406964 (VCV000406964.13), dbSNP rs761033231, ClinGen allele CA4948922.
Genomic context (GRCh38, chr8:144,515,430, plus strand): 5'-GTGGGGTCCAGGCTGGGCACCTCAGGTACAGGTTGTGGTGAAGGAACCAGTGGCTCAGGC[C>T]CAACAGCATCTGTGTCTTCCTCACTTGCTGGGGCAGGCAGGAGAGGGTAGAATGGGAGCT-3'
Protein context (NP_004251.4, residues 419-439): PASEEDTDAV[Gly429Glu]PEPLVPSPQP

ClinVar aggregate classification (germline): Uncertain significance. Review status: criteria provided, multiple submitters, no conflicts (2 of 4 stars). 4 submissions from 4 submitters: Uncertain significance (4). Last evaluated 2025-11-25.

Conditions:
RECQL4-related disorder. Also called: RECQL4-related disorders; RECQL4-related condition.
Inborn genetic diseases. Identifiers: MedGen C0950123, MeSH D030342.
Hereditary cancer-predisposing syndrome. Also called: Neoplastic Syndromes, Hereditary; Tumor predisposition; Hereditary Cancer Syndrome; Hereditary neoplastic syndrome. Identifiers: Orphanet 140162, MedGen C0027672, MeSH D009386, MONDO:0015356.
Baller-Gerold syndrome (BGS). Also called: CRANIOSYNOSTOSIS WITH RADIAL DEFECTS. Identifiers: Orphanet 1225, MedGen C0265308, MONDO:0009039, OMIM 218600.

Allele frequency attached by ClinVar (database versions not stated): gnomAD exomes below 0.00001 and 0.00001; ExAC 0.00001; gnomAD 0.00004; TOPMed 0.00004.
gnomAD v4.1: 12 of 1,612,672 alleles (0.00074%); highest among the groups gnomAD compares: African/African-American, 0.016%; no homozygotes.

Submissions (4):

PreventionGenetics, part of Exact Sciences
Classification: Uncertain significance for RECQL4-related condition. Last evaluated: 2025-11-25. Review status: criteria provided, single submitter. Criteria: ACMG Guidelines, 2015. Collection method: clinical testing. Allele origin: germline.
Comment: The RECQL4 c.1286G>A variant is predicted to result in the amino acid substitution p.Gly429Glu. To our knowledge, this variant has not been reported in the literature. This variant is reported in 0.012% of alleles in individuals of African descent in gnomAD. At this time, the clinical significance of this variant is uncertain due to the absence of conclusive functional and genetic evidence.

Ambry Genetics
Classification: Uncertain significance for Inborn genetic diseases. Last evaluated: 2025-09-29. Review status: criteria provided, single submitter. Criteria: Ambry Variant Classification Scheme 2023. Collection method: clinical testing. Allele origin: germline.

Labcorp Genetics (formerly Invitae), Labcorp
Classification: Uncertain significance for Baller-Gerold syndrome. Last evaluated: 2024-11-18. Review status: criteria provided, single submitter. Criteria: Invitae Variant Classification Sherloc (09022015). Collection method: clinical testing. Allele origin: germline.
Comment: This sequence change replaces glycine, which is neutral and non-polar, with glutamic acid, which is acidic and polar, at codon 429 of the RECQL4 protein (p.Gly429Glu). This variant is present in population databases (rs761033231, gnomAD 0.01%). This variant has not been reported in the literature in individuals affected with RECQL4-related conditions. ClinVar contains an entry for this variant (Variation ID: 406964). Experimental studies and prediction algorithms are not available or were not evaluated, and the functional significance of this variant is currently unknown. In summary, the available evidence is currently insufficient to determine the role of this variant in disease. Therefore, it has been classified as a Variant of Uncertain Significance.

Sema4
Classification: Uncertain significance for Hereditary cancer-predisposing syndrome. Last evaluated: 2021-10-19. Review status: criteria provided, single submitter. Criteria: Sema4 Curation Guidelines. Collection method: curation. Allele origin: germline.
Comment: The RECQL4 c.1286G>A (p.G429E) variant has not been reported in the literature to our knowledge. It was observed in 3/24014 chromosomes of the African subpopulation in the large and broad cohorts of the Genome Aggregation Database (PMID: 32461654), and has been reported in ClinVar (Variation ID 406964). Functional studies have not been performed, and in silico predictions of the variant's effect on protein function are inconclusive. The evidence is insufficient to meet ACMG/AMP criteria for classifying the variant as benign or pathogenic. Thus, the clinical significance of this variant is currently uncertain.